The following is an entry in ClinVar:

NM_153212.3(GJB4):c.507C>G (p.Cys169Trp)

Gene: GJB4 (gap junction protein beta 4; plus strand). Cytogenetic location: 1p34.3.
Variant type: single nucleotide variant.
Coding change: c.507C>G on transcript NM_153212.3 (MANE Select); coding-DNA position 507, C replaced by G.
Protein change: p.Cys169Trp; replaces cysteine 169 with tryptophan.
Molecular consequence: missense variant.
Genome position (GRCh38, 1-based): chr1:34,761,761, C>G. VCF-style: chr1-34761761-C-G. GRCh37 (hg19) VCF-style: chr1-35227362-C-G.
Other names: short protein forms C169W.
Identifiers: ClinVar variation 252789 (VCV000252789.12), dbSNP rs79193415, ClinGen allele CA754605.
Genomic context (GRCh38, chr1:34,761,761, plus strand): 5'-CCACCGCCTCTACAAGGATTATGACATGCCCCGCGTGGTGGCCTGCTCCGTGGAGCCTTG[C>G]CCCCACACTGTGGACTGTTACATCTCCCGGCCCACGGAGAAGAAGGTCTTCACCTACTTC-3'
Protein context (NP_694944.1, residues 159-179): PRVVACSVEP[Cys169Trp]PHTVDCYISR

ClinVar aggregate classification (germline): Benign. Review status: criteria provided, multiple submitters, no conflicts (2 of 4 stars). 5 submissions from 5 submitters: Benign (4). 1 of the submissions does not count toward it. Last evaluated 2026-01-23.

Conditions:
GJB4-related disorder. Also called: GJB4-related condition.

Allele frequency attached by ClinVar (database versions not stated): 1000 Genomes Project 0.03135; TOPMed 0.03148; 1000 Genomes Project 30x 0.02983; ESP Exome Variant Server 0.02814.

Submissions (5):

Labcorp Genetics (formerly Invitae), Labcorp
Classification: Benign. Last evaluated: 2026-01-23. Review status: criteria provided, single submitter. Criteria: Invitae Variant Classification Sherloc (09022015). Collection method: clinical testing. Allele origin: germline.

GeneDx
Classification: Benign. Last evaluated: 2017-11-27. Review status: criteria provided, single submitter. Criteria: GeneDx Variant Classification (06012015). Collection method: clinical testing. Allele origin: germline. Affected: yes.
Comment: This variant is considered likely benign or benign based on one or more of the following criteria: it is a conservative change, it occurs at a poorly conserved position in the protein, it is predicted to be benign by multiple in silico algorithms, and/or has population frequency not consistent with disease.

Genomic Diagnostic Laboratory, Division of Genomic Diagnostics, Children's Hospital of Philadelphia
Classification: Benign. Last evaluated: 2015-10-30. Review status: criteria provided, single submitter. Criteria: DGD Variant Analysis Guidelines. Collection method: clinical testing. Allele origin: unknown.

Breakthrough Genomics
Classification: Benign. Review status: criteria provided, single submitter. Criteria: ACMG Guidelines, 2015. Collection method: not provided. Allele origin: germline. Inheritance: Autosomal dominant inheritance. Affected: yes.

PreventionGenetics, part of Exact Sciences
Classification: Benign for GJB4-related condition. Last evaluated: 2019-05-28. Review status: no assertion criteria provided. Collection method: clinical testing. Allele origin: germline. Not counted in ClinVar's aggregate classification.
Comment: This variant is classified as benign based on ACMG/AMP sequence variant interpretation guidelines (Richards et al. 2015 PMID: 25741868, with internal and published modifications).